The following is an entry in ClinVar:

ClinVar aggregate classification (germline): Uncertain significance (1 of 4 stars; one submission).

Allele frequency attached by ClinVar (database versions not stated): gnomAD 0.00001; gnomAD exomes 0.00001; TOPMed 0.00002.
gnomAD v4.1: 10 of 1,536,200 alleles (0.00065%); highest among the groups gnomAD compares: Middle Eastern, 0.017%; no homozygotes.

Submission:

Labcorp Genetics (formerly Invitae), Labcorp
Classification: Uncertain significance. Last evaluated: 2021-06-16. Review status: criteria provided, single submitter. Criteria: Invitae Variant Classification Sherloc (09022015). Collection method: clinical testing. Allele origin: germline.
Comment: In summary, the available evidence is currently insufficient to determine the role of this variant in disease. Therefore, it has been classified as a Variant of Uncertain Significance. Experimental studies and prediction algorithms are not available or were not evaluated, and the functional significance of this variant is currently unknown. This variant has not been reported in the literature in individuals with C2CD3-related conditions. The frequency data for this variant in the population databases is considered unreliable, as metrics indicate insufficient coverage at this position in the ExAC database. This sequence change replaces leucine with proline at codon 2130 of the C2CD3 protein (p.Leu2130Pro). The C2CD3 gene has multiple clinically relevant transcripts. This variant occurs in alternate transcript NM_001286577.1, and corresponds to NM_015531.5:c.*827T>C in the primary transcript.

NM_001286577.2(C2CD3):c.6389T>C (p.Leu2130Pro)

Gene: C2CD3 (C2 domain containing 3 centriole elongation regulator; minus strand). Cytogenetic location: 11q13.4.
Variant type: single nucleotide variant.
Coding change: c.6389T>C on transcript NM_001286577.2 (MANE Select); coding-DNA position 6389, T replaced by C.
Protein change: p.Leu2130Pro; replaces leucine 2130 with proline.
Molecular consequence: missense variant.
Genome position (GRCh38, 1-based): chr11:74,033,771, A>G on the plus strand (T>C on the coding strand, the complement: C2CD3 is on the minus strand). VCF-style: chr11-74033771-A-G. GRCh37 (hg19) VCF-style: chr11-73744816-A-G.
Other names: short protein forms L2130P.
Identifiers: ClinVar variation 1347221 (VCV001347221.6), dbSNP rs1436816333, ClinGen allele CA381820458.
Genomic context (GRCh38, chr11:74,033,771, plus strand): 5'-CTTTGGCTAGGAGAACCCTGCCTAGGCAGGTGGGGGTTGACAGCCCTTTCTGGGCTGGAG[A>G]GAAAGCTACTTTTGACCATAAGCTCCTCTCTGCAGAAAGGCCCTGGAGAAGGACAAGAGG-3'
Protein context (NP_001273506.1, residues 2120-2140): REELMVKSSF[Leu2130Pro]SSPERAVNPH